The following is an entry in ClinVar:

ClinVar aggregate classification (germline): Uncertain significance. Review status: criteria provided, multiple submitters, no conflicts (2 of 4 stars). 4 submissions from 4 submitters: Uncertain significance (4). Last evaluated 2024-10-29.

Conditions:
Cardiovascular phenotype. Identifiers: MedGen CN230736.
Cardiomyopathy (CMYO). Also called: Cardiomyopathies. Identifiers: Orphanet 167848, MedGen C0878544, MONDO:0004994, HP:0001638. Inheritance: Various modes of inheritance.
Hypertrophic cardiomyopathy. Also called: HYPERTROPHIC MYOCARDIOPATHY. Identifiers: Orphanet 217569, MedGen C0007194, MeSH D002312, MONDO:0005045, HP:0001639.

Allele frequency attached by ClinVar (database versions not stated): TOPMed below 0.00001; gnomAD 0.00001.

Submissions (4):

Ambry Genetics
Classification: Uncertain significance for Cardiovascular phenotype. Last evaluated: 2024-10-29. Review status: criteria provided, single submitter. Criteria: Ambry Variant Classification Scheme 2023. Collection method: clinical testing. Allele origin: germline.
Comment: The p.F1896C variant (also known as c.5687T>G), located in coding exon 37 of the MYH7 gene, results from a T to G substitution at nucleotide position 5687. The phenylalanine at codon 1896 is replaced by cysteine, an amino acid with highly dissimilar properties. This variant has been reported in exome cohorts (Homburger JR et al. Proc Natl Acad Sci U S A, 2016 Jun;113:6701-6; Kurzlechner LM et al. J Pers Med, 2022 Apr;12:). This amino acid position is well conserved in available vertebrate species. In addition, the in silico prediction for this alteration is inconclusive. Based on the available evidence, the clinical significance of this variant remains unclear.

All of Us Research Program, National Institutes of Health
Classification: Uncertain significance for Cardiomyopathy. Last evaluated: 2024-01-11. Review status: criteria provided, single submitter. Criteria: ACMG Guidelines, 2015. Collection method: clinical testing. Allele origin: germline. Inheritance: Autosomal dominant inheritance. Observed: 1 variant allele, 1 heterozygote.
Comment: This study involves interpretation of variants in research participants for the purpose of population health screening. Participant phenotype was not available at the time of variant classification. Additional details can be found in publication PMID: 35346344, PMCID: PMC8962531

Color Diagnostics, LLC DBA Color Health
Classification: Uncertain significance for Cardiomyopathy. Last evaluated: 2023-12-04. Review status: criteria provided, single submitter. Criteria: ACMG Guidelines, 2015. Collection method: clinical testing. Allele origin: germline.
Comment: This missense variant replaces phenylalanine with cysteine at codon 1896 of the MYH7 protein. Computational prediction tools and conservation analyses are inconclusive regarding the impact of this variant on protein structure and function. Splice site prediction tools suggest that this variant may not impact RNA splicing. To our knowledge, functional studies have not been performed for this variant. This variant has not been reported in individuals affected with cardiovascular disorders in the literature. This variant has been identified in 2/282858 chromosomes in the general population by the Genome Aggregation Database (gnomAD). The available evidence is insufficient to determine the role of this variant in disease conclusively. Therefore, this variant is classified as a Variant of Uncertain Significance.

Labcorp Genetics (formerly Invitae), Labcorp
Classification: Uncertain significance for Hypertrophic cardiomyopathy. Last evaluated: 2022-11-20. Review status: criteria provided, single submitter. Criteria: Invitae Variant Classification Sherloc (09022015). Collection method: clinical testing. Allele origin: germline.
Comment: In summary, the available evidence is currently insufficient to determine the role of this variant in disease. Therefore, it has been classified as a Variant of Uncertain Significance. Advanced modeling of protein sequence and biophysical properties (such as structural, functional, and spatial information, amino acid conservation, physicochemical variation, residue mobility, and thermodynamic stability) has been performed at Invitae for this missense variant, however the output from this modeling did not meet the statistical confidence thresholds required to predict the impact of this variant on MYH7 protein function. ClinVar contains an entry for this variant (Variation ID: 918474). This variant has not been reported in the literature in individuals affected with MYH7-related conditions. This variant is present in population databases (no rsID available, gnomAD 0.02%). This sequence change replaces phenylalanine, which is neutral and non-polar, with cysteine, which is neutral and slightly polar, at codon 1896 of the MYH7 protein (p.Phe1896Cys).

Literature cited by the submitters: PubMed 27247418 (cited by Ambry Genetics); PubMed 35629155 (cited by Ambry Genetics).

NM_000257.4(MYH7):c.5687T>G (p.Phe1896Cys)

Gene: MYH7 (myosin heavy chain 7; minus strand). Cytogenetic location: 14q11.2.
Variant type: single nucleotide variant.
Coding change: c.5687T>G on transcript NM_000257.4 (MANE Select); coding-DNA position 5687, T replaced by G.
Protein change: p.Phe1896Cys; replaces phenylalanine 1896 with cysteine.
Molecular consequence: missense variant.
Genome position (GRCh38, 1-based): chr14:23,413,862, A>C on the plus strand (T>G on the coding strand, the complement: MYH7 is on the minus strand). VCF-style: chr14-23413862-A-C. GRCh37 (hg19) VCF-style: chr14-23883071-A-C.
Other names: short protein forms F1896C.
Identifiers: ClinVar variation 918474 (VCV000918474.12), dbSNP rs778562229, ClinGen allele CA389034686.